The following is an entry in ClinVar:

NM_000834.5(GRIN2B):c.4304dup (p.His1435fs)

Gene: GRIN2B (glutamate ionotropic receptor NMDA type subunit 2B; minus strand). Cytogenetic location: 12p13.1.
Variant type: Duplication.
Coding change: c.4304dup on transcript NM_000834.5 (MANE Select); coding-DNA position 4304, one base duplicated (A; older notation c.4304dupA).
Protein change: p.His1435fs; shifts the reading frame from histidine 1435.
Molecular consequence: frameshift variant.
Genome position (GRCh38, 1-based): chr12:13,562,934, T duplicated on the plus strand (A on the coding strand, the reverse complement: GRIN2B is on the minus strand). VCF-style (leftmost placement, unchanged base first): chr12-13562933-A-AT. GRCh37 (hg19) VCF-style: chr12-13715867-A-AT.
Other names: c.4304dup, p.His1435Glnfs (NM_001413992.1); short protein forms H1435fs.
Identifiers: ClinVar variation 2087699 (VCV002087699.4), dbSNP rs2497464669, ClinGen allele CA2580085171.

ClinVar aggregate classification (germline): Uncertain significance (1 of 4 stars; one submission).

Conditions:
Developmental and epileptic encephalopathy, 27 (DEE27). Also called: GRIN2B-Related Neurodevelopmental Disorder; Epileptic encephalopathy, early infantile, 27. Identifiers: Orphanet 3451, MedGen C4015316, MONDO:0014505, OMIM 616139.
Intellectual developmental disorder, autosomal dominant 6, with or without seizures. Also called: Intellectual disability, autosomal dominant 6; GRIN2B-related developmental delay, intellectual disability and autism spectrum disorder. Identifiers: Orphanet 589547, MedGen C3151411, MONDO:0013509, OMIM 613970.

Submission:

Labcorp Genetics (formerly Invitae), Labcorp
Classification: Uncertain significance for Developmental and epileptic encephalopathy, 27; Intellectual developmental disorder, autosomal dominant 6, with or without seizures. Last evaluated: 2022-01-18. Review status: criteria provided, single submitter. Criteria: Invitae Variant Classification Sherloc (09022015). Collection method: clinical testing. Allele origin: germline.
Comment: This sequence change creates a premature translational stop signal (p.His1435Glnfs*24) in the GRIN2B gene. While this is not anticipated to result in nonsense mediated decay, it is expected to disrupt the last 50 amino acid(s) of the GRIN2B protein. This variant is not present in population databases (gnomAD no frequency). This variant has not been reported in the literature in individuals affected with GRIN2B-related conditions. Experimental studies and prediction algorithms are not available or were not evaluated, and the functional significance of this variant is currently unknown. In summary, the available evidence is currently insufficient to determine the role of this variant in disease. Therefore, it has been classified as a Variant of Uncertain Significance.